The following is an entry in ClinVar:

NM_001244008.2(KIF1A):c.106A>G (p.Thr36Ala)

Gene: KIF1A (kinesin family member 1A; minus strand). Cytogenetic location: 2q37.3.
Variant type: single nucleotide variant.
Coding change: c.106A>G on transcript NM_001244008.2 (MANE Select); coding-DNA position 106, A replaced by G.
Protein change: p.Thr36Ala; replaces threonine 36 with alanine.
Molecular consequence: missense variant.
Genome position (GRCh38, 1-based): chr2:240,797,647, T>C on the plus strand (A>G on the coding strand, the complement: KIF1A is on the minus strand). VCF-style: chr2-240797647-T-C. GRCh37 (hg19) VCF-style: chr2-241737064-T-C.
Other names: c.106A>G, p.Thr36Ala (NM_001320705.2, NM_001330289.2, NM_001330290.2 and 20 more transcripts); short protein forms T36A.
Identifiers: ClinVar variation 960706 (VCV000960706.10), dbSNP rs2056550934, ClinGen allele CA351315380.

ClinVar aggregate classification (germline): Uncertain significance (1 of 4 stars; one submission).

Conditions:
Neuropathy, hereditary sensory, type 2C. Also called: Hereditary sensory and autonomic neuropathy type IIC; KIF1A-Related HSAN2 (HSAN2C). Identifiers: Orphanet 970, MedGen C3280168, MONDO:0013634, OMIM 614213.
Intellectual disability, autosomal dominant 9 (NESCAVS). Also called: KIF1A-Related Neurodevelopmental Disorder; NESCAV SYNDROME. Identifiers: Orphanet 662367, MedGen C5393830, MONDO:0013656, OMIM 614255.
Hereditary spastic paraplegia 30. Identifiers: Orphanet 101010, MedGen C5235139, MONDO:0012476.

Allele frequency attached by ClinVar (database versions not stated): gnomAD exomes below 0.00001.

Submission:

Labcorp Genetics (formerly Invitae), Labcorp
Classification: Uncertain significance for Hereditary spastic paraplegia 30; Neuropathy, hereditary sensory, type 2C; Intellectual disability, autosomal dominant 9. Last evaluated: 2019-10-02. Review status: criteria provided, single submitter. Criteria: Invitae Variant Classification Sherloc (09022015). Collection method: clinical testing. Allele origin: germline.
Comment: In summary, the available evidence is currently insufficient to determine the role of this variant in disease. Therefore, it has been classified as a Variant of Uncertain Significance. Algorithms developed to predict the effect of sequence changes on RNA splicing suggest that this variant may create or strengthen a splice site, but this prediction has not been confirmed by published transcriptional studies. Algorithms developed to predict the effect of missense changes on protein structure and function (SIFT, PolyPhen-2, Align-GVGD) all suggest that this variant is likely to be tolerated, but these predictions have not been confirmed by published functional studies and their clinical significance is uncertain. This variant has not been reported in the literature in individuals with KIF1A-related conditions. This variant is not present in population databases (ExAC no frequency). This sequence change replaces threonine with alanine at codon 36 of the KIF1A protein (p.Thr36Ala). The threonine residue is highly conserved and there is a small physicochemical difference between threonine and alanine.